The following is an entry in ClinVar:

ClinVar aggregate classification (germline): Conflicting classifications of pathogenicity. Review status: criteria provided, conflicting classifications (1 of 4 stars). 5 submissions from 5 submitters: Uncertain significance (2); Benign (1); Likely benign (2). Last evaluated 2026-01-11.

Allele frequency attached by ClinVar (database versions not stated): gnomAD exomes 0.00009 and 0.00029; ExAC 0.00035; ESP Exome Variant Server 0.00077; gnomAD 0.00090 and 0.00091; TOPMed 0.00096; 1000 Genomes Project 0.00160; 1000 Genomes Project 30x 0.00250.
gnomAD v4.1: 279 of 1,614,200 alleles (0.017%); highest among the groups gnomAD compares: African/African-American, 0.32%; no homozygotes.

Submissions (5):

Labcorp Genetics (formerly Invitae), Labcorp
Classification: Benign. Last evaluated: 2026-01-11. Review status: criteria provided, single submitter. Criteria: Invitae Variant Classification Sherloc (09022015). Collection method: clinical testing. Allele origin: germline.

Greenwood Genetic Center Diagnostic Laboratories, Greenwood Genetic Center
Classification: Uncertain significance. Last evaluated: 2021-10-29. Review status: criteria provided, single submitter. Criteria: ACMG Guidelines, 2015. Collection method: clinical testing. Allele origin: germline. Affected: yes.
Comment: PM5_Supporting, PM2

GeneDx
Classification: Likely benign. Last evaluated: 2020-06-25. Review status: criteria provided, single submitter. Criteria: GeneDx Variant Classification Process June 2021. Collection method: clinical testing. Allele origin: germline. Affected: yes.

Eurofins Ntd Llc (ga)
Classification: Uncertain significance. Last evaluated: 2018-03-27. Review status: criteria provided, single submitter. Criteria: EGL ClinVar v180209 classification definitions. Collection method: clinical testing. Allele origin: germline. Observed: 2 variant alleles, 2 heterozygotes.

Laboratory for Molecular Medicine, Mass General Brigham Personalized Medicine
Classification: Likely benign. Last evaluated: 2014-12-29. Review status: criteria provided, single submitter. Criteria: LMM Criteria. Collection method: clinical testing. Allele origin: germline. Observed: 3 variant alleles.
Comment: p.Asp1798Asp in exon 43 of OTOF: This variant is not expected to have clinical s ignificance because it does not alter an amino acid residue, is not located with in the splice consensus sequence, and has been identified in 0.4% (40/10584) of African chromosomes by the Exome Aggregation Consortium (ExAC; dbSNP rs111033366).

NM_194248.3(OTOF):c.5394C>T (p.Asp1798=)

Gene: OTOF (otoferlin; minus strand). Cytogenetic location: 2p23.3.
Variant type: single nucleotide variant.
Coding change: c.5394C>T on transcript NM_194248.3 (MANE Select); coding-DNA position 5394, C replaced by T.
Protein change: p.Asp1798=; no amino-acid change (aspartic acid 1798 retained).
Molecular consequence: synonymous variant.
Genome position (GRCh38, 1-based): chr2:26,461,835, G>A on the plus strand (C>T on the coding strand, the complement: OTOF is on the minus strand). VCF-style: chr2-26461835-G-A. GRCh37 (hg19) VCF-style: chr2-26684703-G-A.
Other names: c.5394C>T, p.Asp1798= (NM_001287489.2); c.3093C>T, p.Asp1031= (NM_004802.4, NM_194323.3); c.3324C>T, p.Asp1108= (NM_194322.3).
Identifiers: ClinVar variation 48260 (VCV000048260.22), dbSNP rs111033366, ClinGen allele CA142932.